The following is an entry in ClinVar:

ClinVar aggregate classification (germline): Pathogenic/Likely pathogenic. Review status: criteria provided, multiple submitters, no conflicts (2 of 4 stars). 2 submissions from 2 submitters: Pathogenic (1); Likely pathogenic (1). Last evaluated 2024-04-22.

Conditions:
CRX-related disorders.
Cone-rod dystrophy 2 (CORD2). Also called: CONE-ROD RETINAL DYSTROPHY; Cone-rod retinal dystrophy 2. Identifiers: Orphanet 1872, MedGen C3489532, MONDO:0007362, OMIM 120970.
Leber congenital amaurosis 7 (LCA7). Identifiers: Orphanet 65, MedGen C3151192, MONDO:0013449, OMIM 613829.

Submissions (2):

Labcorp Genetics (formerly Invitae), Labcorp
Classification: Pathogenic for Cone-rod dystrophy 2; Leber congenital amaurosis 7. Last evaluated: 2024-04-22. Review status: criteria provided, single submitter. Criteria: Invitae Variant Classification Sherloc (09022015). Collection method: clinical testing. Allele origin: germline.
Comment: This sequence change creates a premature translational stop signal (p.Ala200Leufs*19) in the CRX gene. While this is not anticipated to result in nonsense mediated decay, it is expected to disrupt the last 100 amino acid(s) of the CRX protein. This variant is not present in population databases (gnomAD no frequency). This variant has not been reported in the literature in individuals affected with CRX-related conditions. ClinVar contains an entry for this variant (Variation ID: 1499937). This variant disrupts a region of the CRX protein in which other variant(s) (p.Tyr258*) have been determined to be pathogenic (PMID: 22968130, 25270190). This suggests that this is a clinically significant region of the protein, and that variants that disrupt it are likely to be disease-causing. For these reasons, this variant has been classified as Pathogenic.

Blueprint Genetics
Classification: Likely pathogenic for CRX-related disorders. Last evaluated: 2022-08-22. Review status: criteria provided, single submitter. Criteria: ACMG Guidelines, 2015. Collection method: clinical testing. Allele origin: germline. Affected: yes. Observed: 1 variant allele.

Literature cited by the submitters: PubMed 22968130 (cited by Labcorp Genetics (formerly Invitae), Labcorp); PubMed 25270190 (cited by Labcorp Genetics (formerly Invitae), Labcorp).

NM_000554.6(CRX):c.597del (p.Ala200fs)

Gene: CRX (cone-rod homeobox; plus strand). Cytogenetic location: 19q13.33.
Variant type: Deletion.
Coding change: c.597del on transcript NM_000554.6 (MANE Select); coding-DNA position 597, one base deleted (C; older notation c.597delC).
Protein change: p.Ala200fs; shifts the reading frame from alanine 200.
Molecular consequence: frameshift variant.
Genome position (GRCh38, 1-based): chr19:47,839,664, C deleted; the last of 2 consecutive C bases (chr19:47,839,663-47,839,664); deleting either gives the same sequence. VCF-style (leftmost placement, unchanged base first): chr19-47839662-TC-T. GRCh37 (hg19) VCF-style: chr19-48342919-TC-T.
Other names: short protein forms A200fs.
Identifiers: ClinVar variation 1499937 (VCV001499937.7), dbSNP rs2123743359, ClinGen allele CA2573156496.
Genomic context (GRCh38, chr19:47,839,662, plus strand): 5'-CTGGTGGCCTCAGGGCCGTCTCTGACCTCCGCCCCCTATGCCATGACCTACGCCCCGGCC[TC>T]CGCTTTCTGCTCTTCCCCCTCCGCCTATGGGTCTCCGAGCTCCTATTTCAGCGGCCTAGA-3'